The following is an entry in ClinVar:

NM_012310.5(KIF4A):c.1433A>G (p.Asp478Gly)

Gene: KIF4A (kinesin family member 4A; plus strand). Cytogenetic location: Xq13.1.
Variant type: single nucleotide variant.
Coding change: c.1433A>G on transcript NM_012310.5 (MANE Select); coding-DNA position 1433, A replaced by G.
Protein change: p.Asp478Gly; replaces aspartic acid 478 with glycine.
Molecular consequence: missense variant.
Genome position (GRCh38, 1-based): chrX:70,352,601, A>G. VCF-style: chrX-70352601-A-G. GRCh37 (hg19) VCF-style: chrX-69572451-A-G.
Other names: NC_000023.10:g.69572451A>G; short protein forms D478G.
Identifiers: ClinVar variation 3340256 (VCV003340256.2).

ClinVar aggregate classification (germline): Uncertain significance (1 of 4 stars; one submission).

gnomAD v4.1: 3 of 1,200,655 alleles (0.00025%); highest among the groups gnomAD compares: Non-Finnish European, 0.00034%; no homozygotes.

Submissions (2):

GeneDx
Classification: Uncertain significance. Last evaluated: 2024-02-03. Review status: criteria provided, single submitter. Criteria: GeneDx Variant Classification Process June 2021. Collection method: clinical testing. Allele origin: germline. Affected: yes.
Comment: In silico analysis supports that this missense variant has a deleterious effect on protein structure/function; Has not been previously published as pathogenic or benign to our knowledge

Dr. Peter K. Rogan Lab, Western University
No classification provided (evidence only). Condition: Thyroid cancer, nonmedullary, 1. Review status: no classification provided. Collection method: in vitro. Allele origin: not applicable. Functional consequence: retained intron. Not counted in ClinVar's aggregate classification.